The following is an entry in ClinVar:

NM_006306.4(SMC1A):c.937G>A (p.Glu313Lys)

Gene: SMC1A (structural maintenance of chromosomes 1A; minus strand). Cytogenetic location: Xp11.22.
Variant type: single nucleotide variant.
Coding change: c.937G>A on transcript NM_006306.4 (MANE Select); coding-DNA position 937, G replaced by A.
Protein change: p.Glu313Lys; replaces glutamic acid 313 with lysine.
Molecular consequence: missense variant.
Genome position (GRCh38, 1-based): chrX:53,412,171, C>T on the plus strand (G>A on the coding strand, the complement: SMC1A is on the minus strand). VCF-style: chrX-53412171-C-T. GRCh37 (hg19) VCF-style: chrX-53439121-C-T.
Other names: c.937G>A (NM_006306.2); c.871G>A, p.Glu291Lys (NM_001281463.1); short protein forms E291K, E313K.
Identifiers: ClinVar variation 2099218 (VCV002099218.5), dbSNP rs2520957938, ClinGen allele CA413257801.

ClinVar aggregate classification (germline): Conflicting classifications of pathogenicity. Review status: criteria provided, conflicting classifications (1 of 4 stars). 2 submissions from 2 submitters: Pathogenic (1); Uncertain significance (1). Last evaluated 2024-09-13.

Conditions:
Congenital muscular hypertrophy-cerebral syndrome (CDLS2). Also called: SMC1A-Related Cornelia de Lange Syndrome; Cornelia de Lange syndrome 2. Identifiers: Orphanet 199, MedGen C1802395, MONDO:0010370, OMIM 300590.

Submissions (2):

GeneDx
Classification: Pathogenic. Last evaluated: 2024-09-13. Review status: criteria provided, single submitter. Criteria: GeneDx Variant Classification Process June 2021. Collection method: clinical testing. Allele origin: germline. Affected: yes.
Comment: Not observed at significant frequency in large population cohorts (gnomAD); Missense variants in this gene are a common cause of disease and they are underrepresented in the general population; In silico analysis supports that this missense variant has a deleterious effect on protein structure/function; This variant is associated with the following publications: (PMID: 35982159, 33504798, 33057194, 31785789)

Labcorp Genetics (formerly Invitae), Labcorp
Classification: Uncertain significance for Congenital muscular hypertrophy-cerebral syndrome. Last evaluated: 2022-05-06. Review status: criteria provided, single submitter. Criteria: Invitae Variant Classification Sherloc (09022015). Collection method: clinical testing. Allele origin: germline.
Comment: This sequence change replaces glutamic acid, which is acidic and polar, with lysine, which is basic and polar, at codon 313 of the SMC1A protein (p.Glu313Lys). This variant is not present in population databases (gnomAD no frequency). This missense change has been observed in individual(s) with SMC1A-related conditions (PMID: 31785789). Advanced modeling of protein sequence and biophysical properties (such as structural, functional, and spatial information, amino acid conservation, physicochemical variation, residue mobility, and thermodynamic stability) performed at Invitae indicates that this missense variant is not expected to disrupt SMC1A protein function. In summary, the available evidence is currently insufficient to determine the role of this variant in disease. Therefore, it has been classified as a Variant of Uncertain Significance.

Literature cited by the submitters: PubMed 31785789 (cited by Labcorp Genetics (formerly Invitae), Labcorp).